The following is an entry in ClinVar:

ClinVar aggregate classification (germline): Uncertain significance. Review status: criteria provided, multiple submitters, no conflicts (2 of 4 stars). 2 submissions from 2 submitters: Uncertain significance (2). Last evaluated 2025-12-11.

Conditions:
Hereditary cancer-predisposing syndrome. Also called: Tumor predisposition; Neoplastic Syndromes, Hereditary; Hereditary neoplastic syndrome; Hereditary Cancer Syndrome. Identifiers: Orphanet 140162, MedGen C0027672, MeSH D009386, MONDO:0015356.
Gastrointestinal stromal tumor. Also called: Gastrointestinal stromal tumor, somatic; Gastrointestinal stroma tumor. Identifiers: Orphanet 44890, MedGen C0238198, MeSH D046152, MONDO:0011719, OMIM 606764, HP:0100723.

Submissions (2):

Ambry Genetics
Classification: Uncertain significance for Hereditary cancer-predisposing syndrome. Last evaluated: 2025-12-11. Review status: criteria provided, single submitter. Criteria: Ambry Variant Classification Scheme 2023. Collection method: clinical testing. Allele origin: germline.
Comment: The p.M61T variant (also known as c.182T>C), located in coding exon 2 of the PDGFRA gene, results from a T to C substitution at nucleotide position 182. The methionine at codon 61 is replaced by threonine, an amino acid with similar properties. This amino acid position is conserved. In addition, this alteration is predicted to be tolerated by in silico analysis. Based on the available evidence, the clinical significance of this variant remains unclear.

Labcorp Genetics (formerly Invitae), Labcorp
Classification: Uncertain significance for Gastrointestinal stromal tumor. Last evaluated: 2020-07-08. Review status: criteria provided, single submitter. Criteria: Invitae Variant Classification Sherloc (09022015). Collection method: clinical testing. Allele origin: germline.
Comment: This variant is not present in population databases (ExAC no frequency). This sequence change replaces methionine with threonine at codon 61 of the PDGFRA protein (p.Met61Thr). The methionine residue is weakly conserved and there is a moderate physicochemical difference between methionine and threonine. This variant has not been reported in the literature in individuals with PDGFRA-related conditions. In summary, the available evidence is currently insufficient to determine the role of this variant in disease. Therefore, it has been classified as a Variant of Uncertain Significance. Algorithms developed to predict the effect of missense changes on protein structure and function output the following: SIFT: "Tolerated"; PolyPhen-2: "Benign"; Align-GVGD: "Class C0". The threonine amino acid residue is found in multiple mammalian species, suggesting that this missense change does not adversely affect protein function. These predictions have not been confirmed by published functional studies and their clinical significance is uncertain.

NM_006206.6(PDGFRA):c.182T>C (p.Met61Thr)

Gene: PDGFRA (platelet derived growth factor receptor alpha; plus strand). Cytogenetic location: 4q12.
Variant type: single nucleotide variant.
Coding change: c.182T>C on transcript NM_006206.6 (MANE Select); coding-DNA position 182, T replaced by C.
Protein change: p.Met61Thr; replaces methionine 61 with threonine.
Molecular consequence: missense variant.
Genome position (GRCh38, 1-based): chr4:54,261,227, T>C. VCF-style: chr4-54261227-T-C. GRCh37 (hg19) VCF-style: chr4-55127394-T-C.
Other names: c.182T>C, p.Met61Thr (NM_001347827.2, NM_001347829.2); c.257T>C, p.Met86Thr (NM_001347828.2); c.221T>C, p.Met74Thr (NM_001347830.2); c.182T>C (NM_006206.4); short protein forms M61T, M74T, M86T.
Identifiers: ClinVar variation 1022371 (VCV001022371.9), dbSNP rs1722687533, ClinGen allele CA356888432.
Genomic context (GRCh38, chr4:54,261,227, plus strand): 5'-TGAATTCATCCTTTTCTCTGAGATGCTTTGGGGAGAGTGAAGTGAGCTGGCAGTACCCCA[T>C]GTCTGAAGAAGAGAGCTCCGATGTGGAAATCAGAAATGAAGAAAACAACAGCGGCCTTTT-3'
Protein context (NP_006197.1, residues 51-71): GESEVSWQYP[Met61Thr]SEEESSDVEI